The following is an entry in ClinVar:

ClinVar aggregate classification (germline): Likely pathogenic (1 of 4 stars; one submission).

Submission:

Quest Diagnostics Nichols Institute San Juan Capistrano
Classification: Likely pathogenic. Last evaluated: 2024-05-31. Review status: criteria provided, single submitter. Criteria: ACMG/ClinGen CNV Guidelines, 2019. Collection method: clinical testing. Allele origin: unknown.
Comment: This loss involves at least 34 protein-coding genes. Heterozygous deletions within and overlapping the current interval have been reported in individuals with variable phenotypes (Galizia 2012, Mackenroth 2015, Zarrei 2019). There are no similar copy number losses of this region in the general populations of the Database of Genomic Variants. Thus, based on current medical literature and gene count, this copy number variant (CNV) is classified as likely pathogenic. References: Galizia et al., Eur J Med Genet. 2012 May;55(5):342-8. PMID: 22342432; Mackenroth et al., Am J Med Genet A. 2015 Nov;167A(11):2800-7. PMID: 26334553; Zarrei et al., NPJ Genom Med. 2019 Oct 7:4:26. PMID: 31602316

GRCh37/hg19 6q22.31-23.2(chr6:120290547-131239690)x1

Genes: ARHGAP18 (Rho GTPase activating protein 18; minus strand), C6orf58 (chromosome 6 open reading frame 58; plus strand), CENPW (centromere protein W; plus strand), CLVS2 (clavesin 2; plus strand), ECHDC1 (ethylmalonyl-CoA decarboxylase 1; minus strand) and 30 more. Cytogenetic location: 6q22.31-23.2.
Variant type: copy number loss.
Change: copy number 1 (one copy instead of two) of chr6:120,290,547-131,239,690 (10.95 Mb, GRCh37 coordinates, 1-based), cytogenetic band 6q22.31-23.2.
Identifiers: ClinVar variation 3391831 (VCV003391831.1).